The following is an entry in ClinVar:

ClinVar aggregate classification (germline): Uncertain significance. Review status: criteria provided, multiple submitters, no conflicts (2 of 4 stars). 2 submissions from 2 submitters: Uncertain significance (2). Last evaluated 2024-07-04.

Conditions:
Cardiovascular phenotype. Identifiers: MedGen CN230736.
RASopathy. Also called: Noonan spectrum disorder; rasopathies. Identifiers: Orphanet 536391, MedGen C5555857, MONDO:0021060.

Allele frequency attached by ClinVar (database versions not stated): TOPMed 0.00002.

Submissions (2):

Labcorp Genetics (formerly Invitae), Labcorp
Classification: Uncertain significance for RASopathy. Last evaluated: 2024-07-04. Review status: criteria provided, single submitter. Criteria: Invitae Variant Classification Sherloc (09022015). Collection method: clinical testing. Allele origin: germline.
Comment: This sequence change replaces proline, which is neutral and non-polar, with leucine, which is neutral and non-polar, at codon 147 of the CBL protein (p.Pro147Leu). This variant is not present in population databases (gnomAD no frequency). This variant has not been reported in the literature in individuals affected with CBL-related conditions. ClinVar contains an entry for this variant (Variation ID: 1740388). Advanced modeling of protein sequence and biophysical properties (such as structural, functional, and spatial information, amino acid conservation, physicochemical variation, residue mobility, and thermodynamic stability) performed at Invitae indicates that this missense variant is not expected to disrupt CBL protein function with a negative predictive value of 95%. In summary, the available evidence is currently insufficient to determine the role of this variant in disease. Therefore, it has been classified as a Variant of Uncertain Significance.

Ambry Genetics
Classification: Uncertain significance for Cardiovascular phenotype. Last evaluated: 2022-04-19. Review status: criteria provided, single submitter. Criteria: Ambry Variant Classification Scheme 2023. Collection method: clinical testing. Allele origin: germline.
Comment: The p.P147L variant (also known as c.440C>T), located in coding exon 2 of the CBL gene, results from a C to T substitution at nucleotide position 440. The proline at codon 147 is replaced by leucine, an amino acid with similar properties. This amino acid position is conserved. In addition, the in silico prediction for this alteration is inconclusive. Since supporting evidence is limited at this time, the clinical significance of this alteration remains unclear.

NM_005188.4(CBL):c.440C>T (p.Pro147Leu)

Gene: CBL (Cbl proto-oncogene; plus strand). Cytogenetic location: 11q23.3.
Variant type: single nucleotide variant.
Coding change: c.440C>T on transcript NM_005188.4 (MANE Select); coding-DNA position 440, C replaced by T.
Protein change: p.Pro147Leu; replaces proline 147 with leucine.
Molecular consequence: missense variant.
Genome position (GRCh38, 1-based): chr11:119,232,692, C>T. VCF-style: chr11-119232692-C-T. GRCh37 (hg19) VCF-style: chr11-119103402-C-T.
Other names: short protein forms P147L.
Identifiers: ClinVar variation 1740388 (VCV001740388.5), dbSNP rs1474071047, ClinGen allele CA382896085.